The following is an entry in ClinVar:

NM_001267550.2(TTN):c.83841A>C (p.Pro27947=)

Genes: TTN (titin; minus strand), TTN-AS1 (TTN antisense RNA 1; plus strand). Cytogenetic location: 2q31.2.
Variant type: single nucleotide variant.
Coding change: c.83841A>C on transcript NM_001267550.2 (MANE Select); coding-DNA position 83841, A replaced by C.
Protein change: p.Pro27947=; no amino-acid change (proline 27947 retained).
Molecular consequence: synonymous variant.
Genome position (GRCh38, 1-based): chr2:178,562,291, T>G on the plus strand (A>C on the coding strand, the complement: TTN is on the minus strand). VCF-style: chr2-178562291-T-G. GRCh37 (hg19) VCF-style: chr2-179427018-T-G.
Other names: c.78918A>C, p.Pro26306= (NM_001256850.1); c.56646A>C, p.Pro18882= (NM_003319.4); c.76137A>C, p.Pro25379= (NM_133378.4); c.57021A>C, p.Pro19007= (NM_133432.3); c.57222A>C, p.Pro19074= (NM_133437.4).
Identifiers: ClinVar variation 3772053 (VCV003772053.13).
Genomic context (GRCh38, chr2:178,562,291, plus strand): 5'-AAGCTCAACTGAAGGCTTTATTTCAATATCCCTTGCAATTACTGGCACTCCAAGTTGTCT[T>G]GGATCACTTCTTCCCTTTTCGTTAACTGCAGCTACCCTGAAGACATACTCTTCTCCTGCA-3'
Protein context (NP_001254479.2, residues 27937-27957): AAVNEKGRSD[Pro27947=]RQLGVPVIAR

ClinVar aggregate classification (germline): Likely benign (1 of 4 stars; one submission).

Submission:

CeGaT Center for Human Genetics Tuebingen
Classification: Likely benign. Last evaluated: 2024-12-01. Review status: criteria provided, single submitter. Criteria: CeGaT Center For Human Genetics Tuebingen Variant Classification Criteria Version 2. Collection method: clinical testing. Allele origin: germline. Affected: yes. Observed: 1 variant allele.
Comment: TTN: PM2:Supporting, BP4, BP7